The following is an entry in ClinVar:

NM_182914.3(SYNE2):c.17001A>G (p.Arg5667=)

Gene: SYNE2 (spectrin repeat containing nuclear envelope protein 2; plus strand). Cytogenetic location: 14q23.2.
Variant type: single nucleotide variant.
Coding change: c.17001A>G on transcript NM_182914.3 (MANE Select); coding-DNA position 17001, A replaced by G.
Protein change: p.Arg5667=; no amino-acid change (arginine 5667 retained).
Molecular consequence: synonymous variant.
Genome position (GRCh38, 1-based): chr14:64,170,228, A>G. VCF-style: chr14-64170228-A-G. GRCh37 (hg19) VCF-style: chr14-64636946-A-G.
Other names: c.17001A>G (NM_182914.2); c.17001A>G, p.Arg5667= (NM_015180.6).
Identifiers: ClinVar variation 2914135 (VCV002914135.4), dbSNP rs763502735, ClinGen allele CA7223575.
Genomic context (GRCh38, chr14:64,170,228, plus strand): 5'-TGATAGTTATTTTTTCTACATGTCGATGTCTGGATTCTATAACCATTTGTTTTTCCCCAG[A>G]CCAGAATTTATTACAGAATTCTCAAAGCTGACGGATCGGTGGCAGAATGCTGTCCAGGGT-3'
Protein context (NP_878918.2, residues 5657-5677): QLLDTTEIEN[Arg5667=]PEFITEFSKL

ClinVar aggregate classification (germline): Conflicting classifications of pathogenicity. Review status: criteria provided, conflicting classifications (1 of 4 stars). 2 submissions from 2 submitters: Uncertain significance (1); Likely benign (1). Last evaluated 2025-05-13.

Conditions:
Emery-Dreifuss muscular dystrophy 5, autosomal dominant (EDMD5). Also called: EMERY-DREIFUSS MUSCULAR DYSTROPHY 5. Identifiers: Orphanet 261, MedGen C2751805, MONDO:0013072, OMIM 612999.

Allele frequency attached by ClinVar (database versions not stated): gnomAD exomes below 0.00001; ExAC 0.00001; TOPMed 0.00002.
gnomAD v4.1: 4 of 1,613,568 alleles (0.00025%); highest among the groups gnomAD compares: African/African-American, 0.0027%; no homozygotes.

Submissions (2):

Ambry Genetics
Classification: Likely benign. Last evaluated: 2025-05-13. Review status: criteria provided, single submitter. Criteria: Ambry Variant Classification Scheme 2023. Collection method: clinical testing. Allele origin: germline.

Labcorp Genetics (formerly Invitae), Labcorp
Classification: Uncertain significance for Emery-Dreifuss muscular dystrophy 5, autosomal dominant. Last evaluated: 2023-02-16. Review status: criteria provided, single submitter. Criteria: Invitae Variant Classification Sherloc (09022015). Collection method: clinical testing. Allele origin: germline.
Comment: This sequence change affects codon 5667 of the SYNE2 mRNA. It is a 'silent' change, meaning that it does not change the encoded amino acid sequence of the SYNE2 protein. It affects a nucleotide within the consensus splice site. This variant is present in population databases (rs763502735, gnomAD 0.007%). This variant has not been reported in the literature in individuals affected with SYNE2-related conditions. Algorithms developed to predict the effect of sequence changes on RNA splicing suggest that this variant may disrupt the consensus splice site. In summary, the available evidence is currently insufficient to determine the role of this variant in disease. Therefore, it has been classified as a Variant of Uncertain Significance.